The following is an entry in ClinVar:

ClinVar aggregate classification (germline): Uncertain significance (1 of 4 stars; one submission).

Conditions:
Cornelia de Lange syndrome 1 (CDLS1). Also called: Brachmann de Lange syndrome; NIPBL-Related Cornelia de Lange Syndrome; TYPUS DEGENERATIVUS AMSTELODAMENSIS. Identifiers: Orphanet 199, MedGen C4551851, MONDO:0007387, OMIM 122470.

Submission:

Labcorp Genetics (formerly Invitae), Labcorp
Classification: Uncertain significance for Cornelia de Lange syndrome 1. Last evaluated: 2022-10-28. Review status: criteria provided, single submitter. Criteria: Invitae Variant Classification Sherloc (09022015). Collection method: clinical testing. Allele origin: germline.
Comment: This sequence change replaces asparagine, which is neutral and polar, with lysine, which is basic and polar, at codon 2336 of the NIPBL protein (p.Asn2336Lys). This variant is not present in population databases (gnomAD no frequency). This variant has not been reported in the literature in individuals affected with NIPBL-related conditions. Advanced modeling of protein sequence and biophysical properties (such as structural, functional, and spatial information, amino acid conservation, physicochemical variation, residue mobility, and thermodynamic stability) has been performed at Invitae for this missense variant, however the output from this modeling did not meet the statistical confidence thresholds required to predict the impact of this variant on NIPBL protein function. In summary, the available evidence is currently insufficient to determine the role of this variant in disease. Therefore, it has been classified as a Variant of Uncertain Significance.

NM_133433.4(NIPBL):c.7008C>A (p.Asn2336Lys)

Gene: NIPBL (NIPBL cohesin loading factor; plus strand). Cytogenetic location: 5p13.2.
Variant type: single nucleotide variant.
Coding change: c.7008C>A on transcript NM_133433.4 (MANE Select); coding-DNA position 7008, C replaced by A.
Protein change: p.Asn2336Lys; replaces asparagine 2336 with lysine.
Molecular consequence: missense variant.
Genome position (GRCh38, 1-based): chr5:37,051,832, C>A. VCF-style: chr5-37051832-C-A. GRCh37 (hg19) VCF-style: chr5-37051934-C-A.
Other names: c.7008C>A, p.Asn2336Lys (NM_015384.5); short protein forms N2336K.
Identifiers: ClinVar variation 2809285 (VCV002809285.3), dbSNP rs1342304512, ClinGen allele CA359510429.